The following is an entry in ClinVar:

NM_000463.3(UGT1A1):c.1381T>C (p.Trp461Arg)

Genes: UGT1A (UDP glucuronosyltransferase family 1 member A complex locus; plus strand), UGT1A1 (UDP glucuronosyltransferase family 1 member A1; plus strand), UGT1A10 (UDP glucuronosyltransferase family 1 member A10; plus strand), UGT1A3 (UDP glucuronosyltransferase family 1 member A3; plus strand), UGT1A4 (UDP glucuronosyltransferase family 1 member A4; plus strand) and 5 more. Cytogenetic location: 2q37.1.
Variant type: single nucleotide variant.
Coding change: c.1381T>C on transcript NM_000463.3 (MANE Select); coding-DNA position 1381, T replaced by C.
Protein change: p.Trp461Arg; replaces tryptophan 461 with arginine.
Molecular consequence: missense variant.
Genome position (GRCh38, 1-based): chr2:233,772,338, T>C. VCF-style: chr2-233772338-T-C. GRCh37 (hg19) VCF-style: chr2-234680984-T-C.
Other names: c.1372T>C, p.Trp458Arg (NM_019075.4, NM_019076.5, NM_019077.3 and 1 more transcripts); c.1378T>C, p.Trp460Arg (NM_001072.4); c.577T>C, p.Trp193Arg (NM_205862.3); c.1384T>C, p.Trp462Arg (NM_019078.2, NM_007120.3, NM_019093.4); short protein forms W193R, W458R, W460R, W461R, W462R.
Identifiers: ClinVar variation 1338434 (VCV001338434.8), dbSNP rs1476500325, ClinGen allele CA351076153.
Genomic context (GRCh38, chr2:233,772,338, plus strand): 5'-ATGCGCCTCTCCAGCCTTCACAAGGACCGCCCGGTGGAGCCGCTGGACCTGGCCGTGTTC[T>C]GGGTGGAGTTTGTGATGAGGCACAAGGGCGCGCCACACCTGCGCCCCGCAGCCCACGACC-3'
Protein context (NP_000454.1, residues 451-471): PVEPLDLAVF[Trp461Arg]VEFVMRHKGA

ClinVar aggregate classification (germline): Pathogenic/Likely pathogenic. Review status: criteria provided, multiple submitters, no conflicts (2 of 4 stars). 3 submissions from 3 submitters: Pathogenic (2); Likely pathogenic (1). Last evaluated 2025-02-03.

Conditions:
UGT1A1-related disorder. Also called: UGT1A1-related condition; UGT1A1-related disorders.

Allele frequency attached by ClinVar (database versions not stated): gnomAD exomes below 0.00001; TOPMed below 0.00001; gnomAD 0.00001.
gnomAD v4.1: 5 of 1,614,136 alleles (0.00031%); highest among the groups gnomAD compares: Non-Finnish European, 0.00042%; no homozygotes.

Submissions (3):

Labcorp Genetics (formerly Invitae), Labcorp
Classification: Pathogenic. Last evaluated: 2025-02-03. Review status: criteria provided, single submitter. Criteria: Invitae Variant Classification Sherloc (09022015). Collection method: clinical testing. Allele origin: germline.
Comment: This sequence change replaces tryptophan, which is neutral and slightly polar, with arginine, which is basic and polar, at codon 461 of the UGT1A1 protein (p.Trp461Arg). This variant is not present in population databases (gnomAD no frequency). This missense change has been observed in individuals with Crigler-Najjar syndrome (PMID: 14581810, 18058623). ClinVar contains an entry for this variant (Variation ID: 1338434). Invitae Evidence Modeling of protein sequence and biophysical properties (such as structural, functional, and spatial information, amino acid conservation, physicochemical variation, residue mobility, and thermodynamic stability) indicates that this missense variant is expected to disrupt UGT1A1 protein function with a positive predictive value of 80%. Experimental studies have shown that this missense change affects UGT1A1 function (PMID: 14581810). For these reasons, this variant has been classified as Pathogenic.

PreventionGenetics, part of Exact Sciences
Classification: Likely pathogenic for UGT1A1-related condition. Last evaluated: 2025-01-08. Review status: criteria provided, single submitter. Criteria: ACMG Guidelines, 2015. Collection method: clinical testing. Allele origin: germline.
Comment: The UGT1A1 c.1381T>C variant is predicted to result in the amino acid substitution p.Trp461Arg. This variant was reported in the homozygous and compound heterozygous states in at least four individuals with Crigler-Najjar syndrome (Maruo et al. 2003. PubMed ID: 14581810; Servedio et al. 2005. PubMed ID: 15712364; Perretti et al. 2007. PubMed ID: 18058623). Functional studies showed that this variant results in no detectable enzyme activity (Maruo et al. 2003. PubMed ID: 14581810). This variant has not been reported in a large population database, indicating this variant is rare. This variant is interpreted as likely pathogenic.

Genetic Services Laboratory, University of Chicago
Classification: Pathogenic. Last evaluated: 2018-08-03. Review status: criteria provided, single submitter. Criteria: ACMG Guidelines, 2015. Collection method: clinical testing. Allele origin: germline. Affected: yes.

Literature cited by the submitters: PubMed 14581810 (cited by Labcorp Genetics (formerly Invitae), Labcorp); PubMed 18058623 (cited by Labcorp Genetics (formerly Invitae), Labcorp).